The following is an entry in ClinVar:

ClinVar aggregate classification (germline): Uncertain significance (1 of 4 stars; one submission).

Allele frequency attached by ClinVar (database versions not stated): gnomAD exomes below 0.00001; TOPMed 0.00002; gnomAD 0.00001.
gnomAD v4.1: 3 of 1,210,585 alleles (0.00025%); highest among the groups gnomAD compares: Non-Finnish European, 0.00034%; no homozygotes.

Submission:

GeneDx
Classification: Uncertain significance. Last evaluated: 2019-07-23. Review status: criteria provided, single submitter. Criteria: GeneDx Variant Classification Process June 2021. Collection method: clinical testing. Allele origin: germline. Affected: yes.
Comment: Not observed in large population cohorts (Lek et al., 2016); In silico analysis, which includes protein predictors and evolutionary conservation, supports that this variant does not alter protein structure/function; Has not been previously published as pathogenic or benign to our knowledge

NM_001123385.2(BCOR):c.4541G>A (p.Arg1514Gln)

Gene: BCOR (BCL6 corepressor; minus strand). Cytogenetic location: Xp11.4.
Variant type: single nucleotide variant.
Coding change: c.4541G>A on transcript NM_001123385.2 (MANE Select); coding-DNA position 4541, G replaced by A.
Protein change: p.Arg1514Gln; replaces arginine 1514 with glutamine.
Molecular consequence: missense variant.
Genome position (GRCh38, 1-based): chrX:40,057,209, C>T on the plus strand (G>A on the coding strand, the complement: BCOR is on the minus strand). VCF-style: chrX-40057209-C-T. GRCh37 (hg19) VCF-style: chrX-39916462-C-T.
Other names: c.4439G>A, p.Arg1480Gln (NM_001123383.2, NM_017745.6); c.4385G>A, p.Arg1462Gln (NM_001123384.2); short protein forms R1462Q, R1480Q, R1514Q.
Identifiers: ClinVar variation 1307228 (VCV001307228.2), dbSNP rs1187192426, ClinGen allele CA412735435.